The following is an entry in ClinVar:

ClinVar aggregate classification (germline): Uncertain significance (1 of 4 stars; one submission).

Conditions:
Hereditary cancer-predisposing syndrome. Also called: Neoplastic Syndromes, Hereditary; Tumor predisposition; Hereditary Cancer Syndrome; Hereditary neoplastic syndrome. Identifiers: Orphanet 140162, MedGen C0027672, MeSH D009386, MONDO:0015356.

Submission:

Ambry Genetics
Classification: Uncertain significance for Hereditary cancer-predisposing syndrome. Last evaluated: 2021-11-05. Review status: criteria provided, single submitter. Criteria: Ambry Variant Classification Scheme 2023. Collection method: clinical testing. Allele origin: germline.
Comment: The p.N295Y variant (also known as c.883A>T), located in coding exon 4 of the BARD1 gene, results from an A to T substitution at nucleotide position 883. The asparagine at codon 295 is replaced by tyrosine, an amino acid with dissimilar properties. This amino acid position is poorly conserved in available vertebrate species. In addition, this alteration is predicted to be tolerated by in silico analysis. Since supporting evidence is limited at this time, the clinical significance of this alteration remains unclear.

NM_000465.4(BARD1):c.883A>T (p.Asn295Tyr)

Gene: BARD1 (BRCA1 associated RING domain 1; minus strand). Cytogenetic location: 2q35.
Variant type: single nucleotide variant.
Coding change: c.883A>T on transcript NM_000465.4 (MANE Select); coding-DNA position 883, A replaced by T.
Protein change: p.Asn295Tyr; replaces asparagine 295 with tyrosine.
Molecular consequence: missense variant. On other transcripts: non-coding transcript variant (2), intron variant (3).
Genome position (GRCh38, 1-based): chr2:214,780,991, T>A on the plus strand (A>T on the coding strand, the complement: BARD1 is on the minus strand). VCF-style: chr2-214780991-T-A. GRCh37 (hg19) VCF-style: chr2-215645715-T-A.
Other names: c.826A>T, p.Asn276Tyr (NM_001282543.2); c.158+28421A>T (NM_001282548.2); c.215+16070A>T (NM_001282545.2); c.364+11306A>T (NM_001282549.2); short protein forms N295Y, N276Y.
Identifiers: ClinVar variation 1764834 (VCV001764834.2), dbSNP rs2469507128, ClinGen allele CA350455156.